The following is an entry in ClinVar:

ClinVar aggregate classification (germline): Pathogenic/Likely pathogenic. Review status: criteria provided, multiple submitters, no conflicts (2 of 4 stars). 2 submissions from 2 submitters: Pathogenic (1); Likely pathogenic (1). Last evaluated 2024-09-09.

Conditions:
Periventricular nodular heterotopia (PVNH). Identifiers: Orphanet 98892, MedGen C1868720, MeSH D054091, MONDO:0020341, HP:0032388.

Submissions (2):

Women's Health and Genetics/Laboratory Corporation of America, LabCorp
Classification: Pathogenic for Periventricular nodular heterotopia. Last evaluated: 2024-09-09. Review status: criteria provided, single submitter. Criteria: LabCorp Variant Classification Summary - May 2015. Collection method: clinical testing. Allele origin: germline.
Comment: Variant summary: FLNA c.1027_1028delTC (p.Ser343ArgfsX12) results in a premature termination codon, predicted to cause a truncation of the encoded protein or absence of the protein due to nonsense mediated decay, which are commonly known mechanisms for disease. The variant was absent in 181600 control chromosomes. To our knowledge, no occurrence of c.1027_1028delTC in individuals affected with Periventricular Nodular Heterotopia and no experimental evidence demonstrating its impact on protein function have been reported. ClinVar contains an entry for this variant (Variation ID: 447341). Based on the evidence outlined above, the variant was classified as pathogenic.

Athena Diagnostics
Classification: Likely pathogenic. Last evaluated: 2017-06-27. Review status: criteria provided, single submitter. Criteria: Athena Diagnostics Criteria. Collection method: clinical testing. Allele origin: germline.

NM_001110556.2(FLNA):c.1027_1028del (p.Ser343fs)

Gene: FLNA (filamin A; minus strand). Cytogenetic location: Xq28.
Variant type: Microsatellite.
Coding change: c.1027_1028del on transcript NM_001110556.2 (MANE Select); coding-DNA positions 1027 to 1028, 2 bases deleted (TC; older notation c.1027_1028delTC).
Protein change: p.Ser343fs; shifts the reading frame from serine 343.
Molecular consequence: frameshift variant.
Genome position (GRCh38, 1-based): chrX:154,366,599-154,366,600, GA deleted on the plus strand (TC on the coding strand, the reverse complement: FLNA is on the minus strand); deleting any 2 consecutive bases within chrX:154,366,599-154,366,602 gives the same sequence; the c. name uses the placement nearest the transcript's 3' end. VCF-style (leftmost placement, unchanged base first): chrX-154366598-GGA-G. GRCh37 (hg19) VCF-style: chrX-153594966-GGA-G.
Other names: c.1027_1028del, p.Ser343fs (NM_001456.4); c.1027_1028delTC (NM_001110556.2); short protein forms S343fs.
Identifiers: ClinVar variation 447341 (VCV000447341.2), dbSNP rs1557179349, ClinGen allele CA658659067.